The following is an entry in ClinVar:

ClinVar aggregate classification (germline): Uncertain significance. Review status: criteria provided, single submitter (1 of 4 stars). 2 submissions from 2 submitters: Uncertain significance (1). 1 of the submissions does not count toward it. Last evaluated 2015-02-23.

Conditions:
STIL-related disorder. Also called: STIL-related condition.

gnomAD v4.1: 10 of 1,609,890 alleles (0.00062%); highest among the groups gnomAD compares: Middle Eastern, 0.05%; no homozygotes.

Submissions (2):

Eurofins Ntd Llc (ga)
Classification: Uncertain significance. Last evaluated: 2015-02-23. Review status: criteria provided, single submitter. Criteria: EGL Classification Definitions 2015. Collection method: clinical testing. Allele origin: germline. Observed: 1 variant allele, 1 heterozygote.

PreventionGenetics, part of Exact Sciences
Classification: Likely benign for STIL-related condition. Last evaluated: 2020-01-09. Review status: no assertion criteria provided. Collection method: clinical testing. Allele origin: germline. Not counted in ClinVar's aggregate classification.
Comment: This variant is classified as likely benign based on ACMG/AMP sequence variant interpretation guidelines (Richards et al. 2015 PMID: 25741868, with internal and published modifications).

NM_001048166.1(STIL):c.873-6G>T

Gene: STIL (STIL centriolar assembly protein; minus strand). Cytogenetic location: 1p33.
Variant type: single nucleotide variant.
Coding change: c.873-6G>T on transcript NM_001048166.1 (MANE Select); 6 bases into the intron before coding-DNA position 873, G replaced by T.
Molecular consequence: intron variant.
Genome position (GRCh38, 1-based): chr1:47,289,591, C>A on the plus strand (G>T on the coding strand, the complement: STIL is on the minus strand). VCF-style: chr1-47289591-C-A. GRCh37 (hg19) VCF-style: chr1-47755263-C-A.
Other names: c.873-6G>T (NM_003035.2, NM_001282937.1, NM_001282936.1); c.732-6G>T (NM_001282939.1, NM_001282938.1).
Identifiers: ClinVar variation 199082 (VCV000199082.7), dbSNP rs375670720, ClinGen allele CA248083.